The following is an entry in ClinVar:

ClinVar aggregate classification (germline): Likely benign (1 of 4 stars; one submission).

Submission:

CeGaT Center for Human Genetics Tuebingen
Classification: Likely benign. Last evaluated: 2025-09-01. Review status: criteria provided, single submitter. Criteria: CeGaT Center For Human Genetics Tuebingen Variant Classification Criteria Version 2. Collection method: clinical testing. Allele origin: germline. Affected: yes. Observed: 1 variant allele.
Comment: C1R: BP4, BP7

NM_001733.7(C1R):c.1677C>T (p.Ala559=)

Gene: C1R (complement C1r; minus strand). Cytogenetic location: 12p13.31.
Variant type: single nucleotide variant.
Coding change: c.1677C>T on transcript NM_001733.7 (MANE Select); coding-DNA position 1677, C replaced by T.
Protein change: p.Ala559=; no amino-acid change (alanine 559 retained).
Molecular consequence: synonymous variant.
Genome position (GRCh38, 1-based): chr12:7,080,973, G>A on the plus strand (C>T on the coding strand, the complement: C1R is on the minus strand). VCF-style: chr12-7080973-G-A. GRCh37 (hg19) VCF-style: chr12-7188277-G-A.
Other names: c.1719C>T, p.Ala573= (NM_001354346.2).
Identifiers: ClinVar variation 4281074 (VCV004281074.7).